The following is an entry in ClinVar:

NM_005045.4(RELN):c.8254G>A (p.Gly2752Ser)

Genes: SLC26A5-AS1 (SLC26A5 antisense RNA 1; plus strand), RELN (reelin; minus strand). Cytogenetic location: 7q22.1.
Variant type: single nucleotide variant.
Coding change: c.8254G>A on transcript NM_005045.4 (MANE Select); coding-DNA position 8254, G replaced by A.
Protein change: p.Gly2752Ser; replaces glycine 2752 with serine.
Molecular consequence: missense variant.
Genome position (GRCh38, 1-based): chr7:103,510,871, C>T on the plus strand (G>A on the coding strand, the complement: RELN is on the minus strand). VCF-style: chr7-103510871-C-T. GRCh37 (hg19) VCF-style: chr7-103151318-C-T.
Other names: c.8254G>A, p.Gly2752Ser (NM_173054.3); short protein forms G2752S.
Identifiers: ClinVar variation 1036204 (VCV001036204.8), dbSNP rs968146584, ClinGen allele CA163918128.

ClinVar aggregate classification (germline): Uncertain significance (1 of 4 stars; one submission).

Conditions:
Norman-Roberts syndrome (LIS2). Also called: Lissencephaly 2 (Norman-Roberts type). Identifiers: Orphanet 89844, MedGen C0796089, MONDO:0009760, OMIM 257320.
Familial temporal lobe epilepsy 7. Identifiers: Orphanet 101046, MedGen C4225327, MONDO:0014639, OMIM 616436.

Allele frequency attached by ClinVar (database versions not stated): gnomAD exomes below 0.00001.
gnomAD v4.1: 5 of 1,613,686 alleles (0.00031%); highest among the groups gnomAD compares: Non-Finnish European, 0.00042%; no homozygotes.

Submission:

Labcorp Genetics (formerly Invitae), Labcorp
Classification: Uncertain significance for Familial temporal lobe epilepsy 7; Norman-Roberts syndrome. Last evaluated: 2020-05-31. Review status: criteria provided, single submitter. Criteria: Invitae Variant Classification Sherloc (09022015). Collection method: clinical testing. Allele origin: germline.
Comment: This sequence change replaces glycine with serine at codon 2752 of the RELN protein (p.Gly2752Ser). The glycine residue is moderately conserved and there is a small physicochemical difference between glycine and serine. This variant is not present in population databases (ExAC no frequency). This variant has not been reported in the literature in individuals with RELN-related conditions. Algorithms developed to predict the effect of missense changes on protein structure and function output the following: SIFT: "Tolerated"; PolyPhen-2: "Benign"; Align-GVGD: "Class C0". The serine amino acid residue is found in multiple mammalian species, suggesting that this missense change does not adversely affect protein function. These predictions have not been confirmed by published functional studies and their clinical significance is uncertain. Algorithms developed to predict the effect of sequence changes on RNA splicing suggest that this variant may create or strengthen a splice site, but this prediction has not been confirmed by published transcriptional studies. In summary, the available evidence is currently insufficient to determine the role of this variant in disease. Therefore, it has been classified as a Variant of Uncertain Significance.